The following is an entry in ClinVar:

ClinVar aggregate classification (germline): Uncertain significance. Review status: criteria provided, single submitter (1 of 4 stars). 2 submissions from 2 submitters: Uncertain significance (1). 1 of the submissions does not count toward it. Last evaluated 2022-06-08.

Conditions:
Mitochondrial complex V (ATP synthase) deficiency, nuclear type 2. Also called: ENCEPHALOCARDIOMYOPATHY, MITOCHONDRIAL, NEONATAL, DUE TO ATP SYNTHASE DEFICIENCY; MITOCHONDRIAL COMPLEX V (ATP SYNTHASE) DEFICIENCY, TMEM70 TYPE; Nuclear-Encoded ATPase Deficiency, TMEM70-Related. Identifiers: Orphanet 1194, MedGen C3279699, MONDO:0013546, OMIM 614052.

Submissions (2):

Labcorp Genetics (formerly Invitae), Labcorp
Classification: Uncertain significance for Mitochondrial complex V (ATP synthase) deficiency, nuclear type 2. Last evaluated: 2022-06-08. Review status: criteria provided, single submitter. Criteria: Invitae Variant Classification Sherloc (09022015). Collection method: clinical testing. Allele origin: germline.
Comment: ClinVar contains an entry for this variant (Variation ID: 156345). This missense change has been observed in individual(s) with TMEM70-related conditions (PMID: 20728387). In at least one individual the data is consistent with being in trans (on the opposite chromosome) from a pathogenic variant. This variant is present in population databases (rs121908743, gnomAD 0.0009%). This sequence change replaces glycine, which is neutral and non-polar, with aspartic acid, which is acidic and polar, at codon 165 of the TMEM70 protein (p.Gly165Asp). Algorithms developed to predict the effect of missense changes on protein structure and function are either unavailable or do not agree on the potential impact of this missense change (SIFT: "Tolerated"; PolyPhen-2: "Probably Damaging"; Align-GVGD: "Class C0"). In summary, the available evidence is currently insufficient to determine the role of this variant in disease. Therefore, it has been classified as a Variant of Uncertain Significance.

ClinVar Staff, National Center for Biotechnology Information (NCBI)
No classification provided. Review status: no classification provided. Collection method: not provided. Allele origin: germline. Not counted in ClinVar's aggregate classification.

Literature cited by the submitters: PubMed 20728387 (cited by Labcorp Genetics (formerly Invitae), Labcorp).

NM_017866.6(TMEM70):c.494G>A (p.Gly165Asp)

Gene: TMEM70 (transmembrane protein 70; plus strand). Cytogenetic location: 8q21.11.
Variant type: single nucleotide variant.
Coding change: c.494G>A on transcript NM_017866.6 (MANE Select); coding-DNA position 494, G replaced by A.
Protein change: p.Gly165Asp; replaces glycine 165 with aspartic acid.
Molecular consequence: missense variant. On other transcripts: 3 prime UTR variant (1), non-coding transcript variant (1).
Genome position (GRCh38, 1-based): chr8:73,981,332, G>A. VCF-style: chr8-73981332-G-A. GRCh37 (hg19) VCF-style: chr8-74893567-G-A.
Other names: c.*184G>A (NM_001040613.3); short protein forms G165D.
Identifiers: ClinVar variation 156345 (VCV000156345.3), dbSNP rs121908743, ClinGen allele CA233205.
Genomic context (GRCh38, chr8:73,981,332, plus strand): 5'-ATGGCATCATGGGAAGCTTTACGGTGATCACCCCAGTGCTGCTTCACTTTATTACAAAAG[G>A]CTATGTCATTCGATTGTACCATGAGGCCACAACAGACACTTATAAAGCCATTACCTACAA-3'
Protein context (NP_060336.3, residues 155-175): TPVLLHFITK[Gly165Asp]YVIRLYHEAT